The following is an entry in ClinVar:

ClinVar aggregate classification (germline): Uncertain significance (1 of 4 stars; one submission).

Submission:

GeneDx
Classification: Uncertain significance. Last evaluated: 2022-02-03. Review status: criteria provided, single submitter. Criteria: GeneDx Variant Classification Process June 2021. Collection method: clinical testing. Allele origin: germline. Affected: yes.
Comment: Not observed at significant frequency in large population cohorts (gnomAD); In silico analysis supports that this variant does not alter splicing; Has not been previously published as pathogenic or benign to our knowledge

NM_006662.3(SRCAP):c.2817+5G>A

Gene: SRCAP (Snf2 related CREBBP activator protein; plus strand). Cytogenetic location: 16p11.2.
Variant type: single nucleotide variant.
Coding change: c.2817+5G>A on transcript NM_006662.3 (MANE Select); 5 bases into the intron after coding-DNA position 2817, G replaced by A.
Molecular consequence: intron variant.
Genome position (GRCh38, 1-based): chr16:30,716,484, G>A. VCF-style: chr16-30716484-G-A. GRCh37 (hg19) VCF-style: chr16-30727805-G-A.
Identifiers: ClinVar variation 1700513 (VCV001700513.2), dbSNP rs2151290591, ClinGen allele CA2573335132.
Genomic context (GRCh38, chr16:30,716,484, plus strand): 5'-TCTGCTTCAGCACCGCCTCTCTGGTGCTAAGGGCCACGGATGTCCATCCCCTCCAGGTAA[G>A]TATGATTCCATTAATATGAAATGTAAAGGTTATCGGCATTACTCCAACCATGTACCTCTT-3'